The following is an entry in ClinVar:

NM_003119.4(SPG7):c.1796G>A (p.Arg599Gln)

Gene: SPG7 (SPG7 matrix AAA peptidase subunit, paraplegin; plus strand). Cytogenetic location: 16q24.3.
Variant type: single nucleotide variant.
Coding change: c.1796G>A on transcript NM_003119.4 (MANE Select); coding-DNA position 1796, G replaced by A.
Protein change: p.Arg599Gln; replaces arginine 599 with glutamine.
Molecular consequence: missense variant.
Genome position (GRCh38, 1-based): chr16:89,552,995, G>A. VCF-style: chr16-89552995-G-A. GRCh37 (hg19) VCF-style: chr16-89619403-G-A.
Other names: c.1796G>A, p.Arg599Gln (NM_001363850.1); short protein forms R599Q.
Identifiers: ClinVar variation 5003028 (VCV005003028.1).
Genomic context (GRCh38, chr16:89,552,995, plus strand): 5'-ACGCATCCTGCCTACTGACCTGGGTCATCTTGACCTTGTGCCAGGTCTCCATAACCCCTC[G>A]GACAAACGCCGCCCTGGGCTTTGCTCAGATGCTCCCCAGAGACCAGCACCTCTTCACCAA-3'
Protein context (NP_003110.1, residues 589-609): EAVMKVSITP[Arg599Gln]TNAALGFAQM

ClinVar aggregate classification (germline): Uncertain significance (1 of 4 stars; one submission).

Conditions:
Hereditary spastic paraplegia 7 (SPG7). Also called: Autosomal recessive spastic paraplegia type 7; SPG7-related neurologic disorder; SPASTIC PARAPLEGIA 7, AUTOSOMAL RECESSIVE, WITH OR WITHOUT CEREBELLAR ATAXIA; Spastic paraplegia 7; Hereditary spastic paraplegia Paraplegin type. Identifiers: Orphanet 99013, MedGen C1846564, MONDO:0011803, OMIM 607259.

gnomAD v4.1: 52 of 1,613,714 alleles (0.0032%); highest among the groups gnomAD compares: African/African-American, 0.015%; no homozygotes.

Submission:

OLLIN Analises Genomicas, OLLIN
Classification: Uncertain significance for Hereditary spastic paraplegia 7. Last evaluated: 2026-08-06. Review status: criteria provided, single submitter. Criteria: ACMG Guidelines 2015 PMID 25741868. Collection method: clinical testing. Allele origin: germline.
Comment: This missense variant, located in exon 14 (of 17), has been reported in ClinVar (accession VCV001488868.6) and in gnomAD with an allele frequency of 0.0032%. However, to our knowledge, it has not been reported in the scientific literature. In silico analysis predicts that this variant has a deleterious effect. According to the currently available evidence, this variant has been classified as uncertain significance (PP3_M).